The following is an entry in ClinVar:

NM_016032.4(ZDHHC9):c.443G>A (p.Arg148Gln)

Gene: ZDHHC9 (zDHHC palmitoyltransferase 9; minus strand). Cytogenetic location: Xq26.1.
Variant type: single nucleotide variant.
Coding change: c.443G>A on transcript NM_016032.4 (MANE Select); coding-DNA position 443, G replaced by A.
Protein change: p.Arg148Gln; replaces arginine 148 with glutamine.
Molecular consequence: missense variant.
Genome position (GRCh38, 1-based): chrX:129,823,723, C>T on the plus strand (G>A on the coding strand, the complement: ZDHHC9 is on the minus strand). VCF-style: chrX-129823723-C-T. GRCh37 (hg19) VCF-style: chrX-128957699-C-T.
Other names: c.443G>A, p.Arg148Gln (NM_001008222.3); short protein forms R148Q.
Identifiers: ClinVar variation 1056952 (VCV001056952.9), dbSNP rs2124117199, ClinGen allele CA414590325.
Genomic context (GRCh38, chrX:129,823,723, plus strand): 5'-CTGTAGTTTTACTCACCCACACAGTTGTCACAGATGCTGCAATGGGAGGCCCGGGGAGGC[C>T]GGAAGATCTTGCATGTGTAACAGTATTTCAGTTTCACAATCTGGTTGTTTATCTGGAAAT-3'
Protein context (NP_057116.2, residues 138-158): LKYCYTCKIF[Arg148Gln]PPRASHCSIC

ClinVar aggregate classification (germline): Uncertain significance (1 of 4 stars; one submission).

Conditions:
Intellectual developmental disorder, X-linked, syndromic, Raymond type. Also called: Syndromic X-linked intellectual disability Raymond type. Identifiers: MedGen C3275406, MONDO:0010427, OMIM 300799.

Allele frequency attached by ClinVar (database versions not stated): gnomAD exomes below 0.00001.
gnomAD v4.1: 1 of 1,212,399 alleles (0.000082%); highest among the groups gnomAD compares: Non-Finnish European, 0.00011%; no homozygotes.

Submission:

Labcorp Genetics (formerly Invitae), Labcorp
Classification: Uncertain significance for Intellectual developmental disorder, X-linked, syndromic, Raymond type. Last evaluated: 2020-10-28. Review status: criteria provided, single submitter. Criteria: Invitae Variant Classification Sherloc (09022015). Collection method: clinical testing. Allele origin: germline.
Comment: In summary, the available evidence is currently insufficient to determine the role of this variant in disease. Therefore, it has been classified as a Variant of Uncertain Significance. This variant disrupts the p.Arg148 amino acid residue in ZDHHC9. Other variant(s) that disrupt this residue have been determined to be pathogenic (PMID: 29681091, 24811172). This suggests that this residue is clinically significant, and that variants that disrupt this residue are likely to be disease-causing. Algorithms developed to predict the effect of missense changes on protein structure and function are either unavailable or do not agree on the potential impact of this missense change (SIFT: "Deleterious"; PolyPhen-2: "Possibly Damaging"; Align-GVGD: "Class C0"). This variant has not been reported in the literature in individuals with ZDHHC9-related conditions. This variant is not present in population databases (ExAC no frequency). This sequence change replaces arginine with glutamine at codon 148 of the ZDHHC9 protein (p.Arg148Gln). The arginine residue is highly conserved and there is a small physicochemical difference between arginine and glutamine.

Literature cited by the submitters: PubMed 29681091; PubMed 24811172.